The following is an entry in ClinVar:

ClinVar aggregate classification (germline): Uncertain significance (1 of 4 stars; one submission).

Conditions:
Hereditary cancer-predisposing syndrome. Also called: Tumor predisposition; Hereditary Cancer Syndrome; Hereditary neoplastic syndrome; Neoplastic Syndromes, Hereditary. Identifiers: Orphanet 140162, MedGen C0027672, MeSH D009386, MONDO:0015356.

Allele frequency attached by ClinVar (database versions not stated): gnomAD exomes below 0.00001; gnomAD 0.00001.
gnomAD v4.1: 3 of 1,613,954 alleles (0.00019%); highest among the groups gnomAD compares: Non-Finnish European, 0.00017%; no homozygotes.

Submission:

Ambry Genetics
Classification: Uncertain significance for Hereditary cancer-predisposing syndrome. Last evaluated: 2023-06-23. Review status: criteria provided, single submitter. Criteria: Ambry Variant Classification Scheme 2023. Collection method: clinical testing. Allele origin: germline.
Comment: The p.R1040* variant (also known as c.3118C>T), located in coding exon 14 of the MET gene, results from a C to T substitution at nucleotide position 3118. This changes the amino acid from an arginine to a stop codon within coding exon 14. While premature stop codons are typically deleterious in nature for tumor suppressor genes, the MET gene is a well described proto-oncogene and the cancer related phenotype is conventionally due to activating mutations. Since supporting evidence is limited at this time, the clinical significance of this alteration remains unclear.

NM_000245.4(MET):c.3064C>T (p.Arg1022Ter)

Gene: MET (MET proto-oncogene, receptor tyrosine kinase; plus strand). Cytogenetic location: 7q31.2.
Variant type: single nucleotide variant.
Coding change: c.3064C>T on transcript NM_000245.4 (MANE Select); coding-DNA position 3064, C replaced by T.
Protein change: p.Arg1022Ter; replaces arginine 1022 with a stop codon.
Molecular consequence: nonsense.
Genome position (GRCh38, 1-based): chr7:116,774,916, C>T. VCF-style: chr7-116774916-C-T. GRCh37 (hg19) VCF-style: chr7-116414970-C-T.
Other names: c.3118C>T (LRG_662t1); c.3118C>T, p.Arg1040Ter (NM_001127500.3); c.1774C>T, p.Arg592Ter (NM_001324402.2); short protein forms R1040*, R1022*, R592*.
Identifiers: ClinVar variation 485791 (VCV000485791.6), dbSNP rs1193441628, ClinGen allele CA368987906.